The following is an entry in ClinVar:

ClinVar aggregate classification (germline): Uncertain significance (1 of 4 stars; one submission).

Allele frequency attached by ClinVar (database versions not stated): TOPMed 0.00001.
gnomAD v4.1: 3 of 1,613,934 alleles (0.00019%); highest among the groups gnomAD compares: Non-Finnish European, 0.00025%; no homozygotes.

Submission:

Ambry Genetics
Classification: Uncertain significance. Last evaluated: 2021-12-01. Review status: criteria provided, single submitter. Criteria: Ambry Variant Classification Scheme 2023. Collection method: clinical testing. Allele origin: germline.
Comment: The p.N344K variant (also known as c.1032T>A), located in coding exon 5 of the MNDA gene, results from a T to A substitution at nucleotide position 1032. The asparagine at codon 344 is replaced by lysine, an amino acid with similar properties. This amino acid position is conserved. In addition, this alteration is predicted to be tolerated by in silico analysis. Since supporting evidence is limited at this time, the clinical significance of this alteration remains unclear.

NM_002432.3(MNDA):c.1032T>A (p.Asn344Lys)

Gene: MNDA (myeloid cell nuclear differentiation antigen; plus strand). Cytogenetic location: 1q23.1.
Variant type: single nucleotide variant.
Coding change: c.1032T>A on transcript NM_002432.3 (MANE Select); coding-DNA position 1032, T replaced by A.
Protein change: p.Asn344Lys; replaces asparagine 344 with lysine.
Molecular consequence: missense variant.
Genome position (GRCh38, 1-based): chr1:158,847,772, T>A. VCF-style: chr1-158847772-T-A. GRCh37 (hg19) VCF-style: chr1-158817562-T-A.
Other names: short protein forms N344K.
Identifiers: ClinVar variation 1771659 (VCV001771659.2), dbSNP rs1411842518, ClinGen allele CA343043866.